The following is an entry in ClinVar:

NM_006206.6(PDGFRA):c.2345T>A (p.Leu782His)

Gene: PDGFRA (platelet derived growth factor receptor alpha; plus strand). Cytogenetic location: 4q12.
Variant type: single nucleotide variant.
Coding change: c.2345T>A on transcript NM_006206.6 (MANE Select); coding-DNA position 2345, T replaced by A.
Protein change: p.Leu782His; replaces leucine 782 with histidine.
Molecular consequence: missense variant.
Genome position (GRCh38, 1-based): chr4:54,285,392, T>A. VCF-style: chr4-54285392-T-A. GRCh37 (hg19) VCF-style: chr4-55151559-T-A.
Other names: c.2420T>A, p.Leu807His (NM_001347828.2); c.2345T>A, p.Leu782His (NM_001347829.2); c.2384T>A, p.Leu795His (NM_001347830.2); short protein forms L782H, L795H, L807H.
Identifiers: ClinVar variation 1054661 (VCV001054661.9), dbSNP rs2110335494, ClinGen allele CA356894623.
Genomic context (GRCh38, chr4:54,285,392, plus strand): 5'-TGCCTGCCAGCACCAATACATTTAATTTCTTTTCTGCAGACTCAGAAGTCAAAAACCTCC[T>A]TTCAGATGATAACTCAGAAGGCCTTACTTTATTGGATTTGTTGAGCTTCACCTATCAAGT-3'
Protein context (NP_006197.1, residues 772-792): SMLDSEVKNL[Leu782His]SDDNSEGLTL

ClinVar aggregate classification (germline): Uncertain significance (1 of 4 stars; one submission).

Conditions:
Gastrointestinal stromal tumor. Also called: Gastrointestinal stromal tumor, somatic; Gastrointestinal stroma tumor. Identifiers: Orphanet 44890, MedGen C0238198, MeSH D046152, MONDO:0011719, OMIM 606764, HP:0100723.

Submission:

Labcorp Genetics (formerly Invitae), Labcorp
Classification: Uncertain significance for Gastrointestinal stromal tumor. Last evaluated: 2020-06-23. Review status: criteria provided, single submitter. Criteria: Invitae Variant Classification Sherloc (09022015). Collection method: clinical testing. Allele origin: germline.
Comment: In summary, the available evidence is currently insufficient to determine the role of this variant in disease. Therefore, it has been classified as a Variant of Uncertain Significance. Algorithms developed to predict the effect of missense changes on protein structure and function are either unavailable or do not agree on the potential impact of this missense change (SIFT: "Deleterious"; PolyPhen-2: "Probably Damaging"; Align-GVGD: "Class C0"). This variant has not been reported in the literature in individuals with PDGFRA-related conditions. This variant is not present in population databases (ExAC no frequency). This sequence change replaces leucine with histidine at codon 782 of the PDGFRA protein (p.Leu782His). The leucine residue is highly conserved and there is a moderate physicochemical difference between leucine and histidine.